The following is an entry in ClinVar:

NM_145045.5(ODAD3):c.1066G>A (p.Glu356Lys)

Gene: ODAD3 (outer dynein arm docking complex subunit 3; minus strand). Cytogenetic location: 19p13.2.
Variant type: single nucleotide variant.
Coding change: c.1066G>A on transcript NM_145045.5 (MANE Select); coding-DNA position 1066, G replaced by A.
Protein change: p.Glu356Lys; replaces glutamic acid 356 with lysine.
Molecular consequence: missense variant.
Genome position (GRCh38, 1-based): chr19:11,423,927, C>T on the plus strand (G>A on the coding strand, the complement: ODAD3 is on the minus strand). VCF-style: chr19-11423927-C-T. GRCh37 (hg19) VCF-style: chr19-11534596-C-T.
Other names: c.904G>A, p.Glu302Lys (NM_001302453.1); c.886G>A, p.Glu296Lys (NM_001302454.2); short protein forms E296K, E302K, E356K.
Identifiers: ClinVar variation 1305552 (VCV001305552.2), dbSNP rs747528098, ClinGen allele CA9212151.
Genomic context (GRCh38, chr19:11,423,927, plus strand): 5'-CAGAACTCACGTGCGTCTCGTCAGTGCCAGTGGCGTCCTTGACCTTGCCAAAGATCACCT[C>T]CATCTGGTACATGCTCCAGCGCTGCCGCAGCTCCTCCTCCTTGGCATGCAGGCTGTCCTG-3'
Protein context (NP_659482.3, residues 346-366): LRQRWSMYQM[Glu356Lys]VIFGKVKDAT

ClinVar aggregate classification (germline): Uncertain significance (1 of 4 stars; one submission).

Allele frequency attached by ClinVar (database versions not stated): gnomAD exomes below 0.00001; ExAC 0.00001; gnomAD 0.00001.
gnomAD v4.1: 3 of 1,613,390 alleles (0.00019%); highest among the groups gnomAD compares: South Asian, 0.0011%; no homozygotes.

Submission:

GeneDx
Classification: Uncertain significance. Last evaluated: 2019-04-29. Review status: criteria provided, single submitter. Criteria: GeneDx Variant Classification Process June 2021. Collection method: clinical testing. Allele origin: germline. Affected: yes.
Comment: Not observed at a significant frequency in large population cohorts (Lek et al., 2016); In silico analysis, which includes protein predictors and evolutionary conservation, supports a deleterious effect; Has not been previously published as pathogenic or benign to our knowledge